The following is an entry in ClinVar:

NM_014269.4(ADAM29):c.2325T>C (p.Ser775=)

Gene: ADAM29 (ADAM metallopeptidase domain 29; plus strand). Cytogenetic location: 4q34.1.
Variant type: single nucleotide variant.
Coding change: c.2325T>C on transcript NM_014269.4 (MANE Select); coding-DNA position 2325, T replaced by C.
Protein change: p.Ser775=; no amino-acid change (serine 775 retained).
Molecular consequence: synonymous variant.
Genome position (GRCh38, 1-based): chr4:174,977,850, T>C. VCF-style: chr4-174977850-T-C. GRCh37 (hg19) VCF-style: chr4-175899001-T-C.
Other names: c.2325T>C, p.Ser775= (NM_001130703.1, NM_001130704.1, NM_001130705.1 and 3 more transcripts).
Identifiers: ClinVar variation 2655195 (VCV002655195.24), dbSNP rs111240604, ClinGen allele CA3143317.

ClinVar aggregate classification (germline): Likely benign (1 of 4 stars; one submission).

Allele frequency attached by ClinVar (database versions not stated): gnomAD exomes 0.00133; gnomAD 0.00368.
gnomAD v4.1: 2,005 of 1,311,828 alleles (0.15%); highest among the groups gnomAD compares: Middle Eastern, 0.22%; 9 homozygotes.

Submission:

CeGaT Center for Human Genetics Tuebingen
Classification: Likely benign. Last evaluated: 2023-07-01. Review status: criteria provided, single submitter. Criteria: CeGaT Center For Human Genetics Tuebingen Variant Classification Criteria Version 2. Collection method: clinical testing. Allele origin: germline. Affected: yes. Observed: 1 variant allele.
Comment: ADAM29: BP4, BP7